The following is an entry in ClinVar:

ClinVar aggregate classification (germline): Likely benign (0 of 4 stars; one submission).

Conditions:
BPIFA3-related disorder. Also called: BPIFA3-related condition.

Allele frequency attached by ClinVar (database versions not stated): 1000 Genomes Project 30x 0.00094; 1000 Genomes Project 0.00100; ESP Exome Variant Server 0.00100; TOPMed 0.00108; gnomAD 0.00111; ExAC 0.00114; gnomAD exomes 0.00203.
gnomAD v4.1: 3,137 of 1,614,086 alleles (0.19%); highest among the groups gnomAD compares: Non-Finnish European, 0.23%; 6 homozygotes.

Submission:

PreventionGenetics, part of Exact Sciences
Classification: Likely benign for BPIFA3-related condition. Last evaluated: 2022-12-01. Review status: no assertion criteria provided. Collection method: clinical testing. Allele origin: germline.
Comment: This variant is classified as likely benign based on ACMG/AMP sequence variant interpretation guidelines (Richards et al. 2015 PMID: 25741868, with internal and published modifications).

NM_178466.5(BPIFA3):c.496G>A (p.Asp166Asn)

Gene: BPIFA3 (BPI fold containing family A member 3; plus strand). Cytogenetic location: 20q11.21.
Variant type: single nucleotide variant.
Coding change: c.496G>A on transcript NM_178466.5 (MANE Select); coding-DNA position 496, G replaced by A.
Protein change: p.Asp166Asn; replaces aspartic acid 166 with asparagine.
Molecular consequence: missense variant.
Genome position (GRCh38, 1-based): chr20:33,225,207, G>A. VCF-style: chr20-33225207-G-A. GRCh37 (hg19) VCF-style: chr20-31813013-G-A.
Other names: c.496G>A, p.Asp166Asn (NM_001014978.1); c.388G>A, p.Asp130Asn (NM_001042439.2); short protein forms D130N, D166N.
Identifiers: ClinVar variation 3041043 (VCV003041043.2), dbSNP rs142257117, ClinGen allele CA9815295.